The following is an entry in ClinVar:

ClinVar aggregate classification (germline): Uncertain significance (1 of 4 stars; one submission).

Conditions:
Lafora disease. Also called: Epilepsy progressive myoclonic 2. Identifiers: Orphanet 501, MedGen C0751783, MONDO:0009697.

Allele frequency attached by ClinVar (database versions not stated): TOPMed below 0.00001; ExAC 0.00001; gnomAD 0.00001; gnomAD exomes 0.00001.

Submission:

Labcorp Genetics (formerly Invitae), Labcorp
Classification: Uncertain significance for Lafora disease. Last evaluated: 2022-01-20. Review status: criteria provided, single submitter. Criteria: Invitae Variant Classification Sherloc (09022015). Collection method: clinical testing. Allele origin: germline.
Comment: This sequence change replaces leucine, which is neutral and non-polar, with valine, which is neutral and non-polar, at codon 378 of the NHLRC1 protein (p.Leu378Val). This variant is present in population databases (rs778364234, gnomAD 0.0009%). This variant has not been reported in the literature in individuals affected with NHLRC1-related conditions. ClinVar contains an entry for this variant (Variation ID: 853751). Algorithms developed to predict the effect of missense changes on protein structure and function (SIFT, PolyPhen-2, Align-GVGD) all suggest that this variant is likely to be tolerated. In summary, the available evidence is currently insufficient to determine the role of this variant in disease. Therefore, it has been classified as a Variant of Uncertain Significance.

NM_198586.3(NHLRC1):c.1132C>G (p.Leu378Val)

Gene: NHLRC1 (NHL repeat containing E3 ubiquitin protein ligase 1; minus strand). Cytogenetic location: 6p22.3.
Variant type: single nucleotide variant.
Coding change: c.1132C>G on transcript NM_198586.3 (MANE Select); coding-DNA position 1132, C replaced by G.
Protein change: p.Leu378Val; replaces leucine 378 with valine.
Molecular consequence: missense variant.
Genome position (GRCh38, 1-based): chr6:18,121,475, G>C on the plus strand (C>G on the coding strand, the complement: NHLRC1 is on the minus strand). VCF-style: chr6-18121475-G-C. GRCh37 (hg19) VCF-style: chr6-18121706-G-C.
Other names: short protein forms L378V.
Identifiers: ClinVar variation 853751 (VCV000853751.7), dbSNP rs778364234, ClinGen allele CA3649873.